The following is an entry in ClinVar:

ClinVar aggregate classification (germline): Benign (1 of 4 stars; one submission).

Allele frequency attached by ClinVar (database versions not stated): gnomAD 0.02777 and 0.02976; 1000 Genomes Project 0.03095; TOPMed 0.03161; 1000 Genomes Project 30x 0.03232.
gnomAD v4.1: 4,190 of 152,236 alleles (2.8%); highest among the groups gnomAD compares: African/African-American, 9.5%; 194 homozygotes.

Submission:

GeneDx
Classification: Benign. Last evaluated: 2018-06-14. Review status: criteria provided, single submitter. Criteria: GeneDx Variant Classification (06012015). Collection method: clinical testing. Allele origin: germline. Affected: yes.
Comment: This variant is considered likely benign or benign based on one or more of the following criteria: it is a conservative change, it occurs at a poorly conserved position in the protein, it is predicted to be benign by multiple in silico algorithms, and/or has population frequency not consistent with disease.

NM_002474.3(MYH11):c.634-1955C>T

Gene: MYH11 (myosin heavy chain 11; minus strand). Cytogenetic location: 16p13.11.
Variant type: single nucleotide variant.
Coding change: c.634-1955C>T on transcript NM_002474.3 (MANE Select); 1955 bases into the intron before coding-DNA position 634, C replaced by T.
Molecular consequence: intron variant.
Genome position (GRCh38, 1-based): chr16:15,784,432, G>A on the plus strand (C>T on the coding strand, the complement: MYH11 is on the minus strand). VCF-style: chr16-15784432-G-A. GRCh37 (hg19) VCF-style: chr16-15878289-G-A.
Other names: c.634-1955C>T (NM_022844.3); c.654+266C>T (NM_001040114.2, NM_001040113.2).
Identifiers: ClinVar variation 668561 (VCV000668561.1), dbSNP rs60894193, ClinGen allele CA278599327.